The following is an entry in ClinVar:

ClinVar aggregate classification (germline): Benign (0 of 4 stars; one submission).

Conditions:
CCDC169-SOHLH2-related disorder. Also called: CCDC169-SOHLH2-related condition.

Allele frequency attached by ClinVar (database versions not stated): 1000 Genomes Project 0.07468; 1000 Genomes Project 30x 0.07558; TOPMed 0.08379; gnomAD 0.08592; ESP Exome Variant Server 0.08781; ExAC 0.10270; gnomAD exomes 0.11200.
gnomAD v4.1: 176,629 of 1,614,114 alleles (11%); highest among the groups gnomAD compares: Middle Eastern, 15%; 10,364 homozygotes.

Submission:

PreventionGenetics, part of Exact Sciences
Classification: Benign for CCDC169-SOHLH2-related condition. Last evaluated: 2019-11-08. Review status: no assertion criteria provided. Collection method: clinical testing. Allele origin: germline.
Comment: This variant is classified as benign based on ACMG/AMP sequence variant interpretation guidelines (Richards et al. 2015 PMID: 25741868, with internal and published modifications).

NM_001198910.2(CCDC169-SOHLH2):c.1356C>T (p.Tyr452=)

Genes: CCDC169-SOHLH2 (CCDC169-SOHLH2 readthrough; minus strand), SOHLH2 (spermatogenesis and oogenesis specific basic helix-loop-helix 2; minus strand). Cytogenetic location: 13q13.3.
Variant type: single nucleotide variant.
Coding change: c.1356C>T on transcript NM_001198910.2; coding-DNA position 1356, C replaced by T.
Protein change: p.Tyr452=; no amino-acid change (tyrosine 452 retained).
Molecular consequence: synonymous variant.
Genome position (GRCh38, 1-based): chr13:36,170,663, G>A on the plus strand (C>T on the coding strand, the complement: CCDC169-SOHLH2 is on the minus strand). VCF-style: chr13-36170663-G-A. GRCh37 (hg19) VCF-style: chr13-36744800-G-A.
Other names: c.1125C>T, p.Tyr375= (NM_017826.3).
Identifiers: ClinVar variation 3056894 (VCV003056894.2), dbSNP rs2296967, ClinGen allele CA6948740.